The following is an entry in ClinVar:

ClinVar aggregate classification (germline): Uncertain significance (1 of 4 stars; one submission).

Allele frequency attached by ClinVar (database versions not stated): gnomAD exomes 0.00001.
gnomAD v4.1: 7 of 1,613,932 alleles (0.00043%); highest among the groups gnomAD compares: Non-Finnish European, 0.00059%; no homozygotes.

Submission:

Labcorp Genetics (formerly Invitae), Labcorp
Classification: Uncertain significance. Last evaluated: 2021-10-12. Review status: criteria provided, single submitter. Criteria: Invitae Variant Classification Sherloc (09022015). Collection method: clinical testing. Allele origin: germline.
Comment: In summary, the available evidence is currently insufficient to determine the role of this variant in disease. Therefore, it has been classified as a Variant of Uncertain Significance. Algorithms developed to predict the effect of missense changes on protein structure and function (SIFT, PolyPhen-2, Align-GVGD) all suggest that this variant is likely to be tolerated. This variant has not been reported in the literature in individuals affected with POLE-related conditions. This variant is not present in population databases (ExAC no frequency). This sequence change replaces serine with glycine at codon 2031 of the POLE protein (p.Ser2031Gly). The serine residue is moderately conserved and there is a small physicochemical difference between serine and glycine.

NM_006231.4(POLE):c.6091A>G (p.Ser2031Gly)

Gene: POLE (DNA polymerase epsilon, catalytic subunit; minus strand). Cytogenetic location: 12q24.33.
Variant type: single nucleotide variant.
Coding change: c.6091A>G on transcript NM_006231.4 (MANE Select); coding-DNA position 6091, A replaced by G.
Protein change: p.Ser2031Gly; replaces serine 2031 with glycine.
Molecular consequence: missense variant.
Genome position (GRCh38, 1-based): chr12:132,632,709, T>C on the plus strand (A>G on the coding strand, the complement: POLE is on the minus strand). VCF-style: chr12-132632709-T-C. GRCh37 (hg19) VCF-style: chr12-133209295-T-C.
Other names: short protein forms S2031G.
Identifiers: ClinVar variation 957709 (VCV000957709.7), dbSNP rs2041959031, ClinGen allele CA387370517.